The following is an entry in ClinVar:

ClinVar aggregate classification (germline): Uncertain significance (1 of 4 stars; one submission).

Conditions:
Progressive familial heart block type IB (PFHB1B). Identifiers: Orphanet 871, MedGen C1970298, MONDO:0011474, OMIM 604559.

Allele frequency attached by ClinVar (database versions not stated): gnomAD exomes 0.00001.

Submission:

Labcorp Genetics (formerly Invitae), Labcorp
Classification: Uncertain significance for Progressive familial heart block type IB. Last evaluated: 2023-10-03. Review status: criteria provided, single submitter. Criteria: Invitae Variant Classification Sherloc (09022015). Collection method: clinical testing. Allele origin: germline.
Comment: This sequence change replaces histidine, which is basic and polar, with glutamine, which is neutral and polar, at codon 1002 of the TRPM4 protein (p.His1002Gln). This variant is present in population databases (no rsID available, gnomAD 0.006%). This variant has not been reported in the literature in individuals affected with TRPM4-related conditions. Algorithms developed to predict the effect of missense changes on protein structure and function output the following: SIFT: "Not Available"; PolyPhen-2: "Benign"; Align-GVGD: "Not Available". The glutamine amino acid residue is found in multiple mammalian species, which suggests that this missense change does not adversely affect protein function. In summary, the available evidence is currently insufficient to determine the role of this variant in disease. Therefore, it has been classified as a Variant of Uncertain Significance.

NM_017636.4(TRPM4):c.3006C>A (p.His1002Gln)

Gene: TRPM4 (transient receptor potential cation channel subfamily M member 4; plus strand). Cytogenetic location: 19q13.33.
Variant type: single nucleotide variant.
Coding change: c.3006C>A on transcript NM_017636.4 (MANE Select); coding-DNA position 3006, C replaced by A.
Protein change: p.His1002Gln; replaces histidine 1002 with glutamine.
Molecular consequence: missense variant.
Genome position (GRCh38, 1-based): chr19:49,202,016, C>A. VCF-style: chr19-49202016-C-A. GRCh37 (hg19) VCF-style: chr19-49705273-C-A.
Other names: c.2571C>A, p.His857Gln (NM_001195227.2); c.2661C>A, p.His887Gln (NM_001321281.2); c.1398C>A, p.His466Gln (NM_001321282.2); c.2484C>A, p.His828Gln (NM_001321283.2); c.1944C>A, p.His648Gln (NM_001321285.2); short protein forms H857Q, H828Q, H887Q, H1002Q, H466Q, H648Q.
Identifiers: ClinVar variation 2986705 (VCV002986705.3), dbSNP rs1232440465, ClinGen allele CA406812711.